The following is an entry in ClinVar:

ClinVar aggregate classification (germline): Uncertain significance (1 of 4 stars; one submission).

Submission:

Labcorp Genetics (formerly Invitae), Labcorp
Classification: Uncertain significance. Last evaluated: 2023-11-27. Review status: criteria provided, single submitter. Criteria: Invitae Variant Classification Sherloc (09022015). Collection method: clinical testing. Allele origin: germline.
Comment: This sequence change replaces alanine, which is neutral and non-polar, with glycine, which is neutral and non-polar, at codon 225 of the IRX5 protein (p.Ala225Gly). This variant is not present in population databases (gnomAD no frequency). This variant has not been reported in the literature in individuals affected with IRX5-related conditions. ClinVar contains an entry for this variant (Variation ID: 2032194). Advanced modeling of protein sequence and biophysical properties (such as structural, functional, and spatial information, amino acid conservation, physicochemical variation, residue mobility, and thermodynamic stability) performed at Invitae indicates that this missense variant is not expected to disrupt IRX5 protein function with a negative predictive value of 80%. In summary, the available evidence is currently insufficient to determine the role of this variant in disease. Therefore, it has been classified as a Variant of Uncertain Significance.

NM_005853.6(IRX5):c.674C>G (p.Ala225Gly)

Gene: IRX5 (iroquois homeobox 5; plus strand). Cytogenetic location: 16q12.2.
Variant type: single nucleotide variant.
Coding change: c.674C>G on transcript NM_005853.6 (MANE Select); coding-DNA position 674, C replaced by G.
Protein change: p.Ala225Gly; replaces alanine 225 with glycine.
Molecular consequence: missense variant.
Genome position (GRCh38, 1-based): chr16:54,933,095, C>G. VCF-style: chr16-54933095-C-G. GRCh37 (hg19) VCF-style: chr16-54967007-C-G.
Other names: c.671C>G, p.Ala224Gly (NM_001252197.1); short protein forms A224G, A225G.
Identifiers: ClinVar variation 2032194 (VCV002032194.4), dbSNP rs1963920192, ClinGen allele CA396125920.